The following is an entry in ClinVar:

NM_012301.4(MAGI2):c.2404-5T>C

Gene: MAGI2 (membrane associated guanylate kinase, WW and PDZ domain containing 2; minus strand). Cytogenetic location: 7q21.11.
Variant type: single nucleotide variant.
Coding change: c.2404-5T>C on transcript NM_012301.4 (MANE Select); 5 bases into the intron before coding-DNA position 2404, T replaced by C.
Molecular consequence: intron variant.
Genome position (GRCh38, 1-based): chr7:78,168,113, A>G on the plus strand (T>C on the coding strand, the complement: MAGI2 is on the minus strand). VCF-style: chr7-78168113-A-G. GRCh37 (hg19) VCF-style: chr7-77797430-A-G.
Other names: c.2362-5T>C (NM_001301128.2).
Identifiers: ClinVar variation 3048293 (VCV003048293.2), dbSNP rs773547315, ClinGen allele CA4313765.

ClinVar aggregate classification (germline): Likely benign (0 of 4 stars; one submission).

Conditions:
MAGI2-related disorder. Also called: MAGI2-related condition.

Allele frequency attached by ClinVar (database versions not stated): ExAC 0.00001; gnomAD 0.00001; gnomAD exomes 0.00001; TOPMed 0.00002.
gnomAD v4.1: 14 of 1,611,420 alleles (0.00087%); highest among the groups gnomAD compares: Middle Eastern, 0.033%; no homozygotes.

Submission:

PreventionGenetics, part of Exact Sciences
Classification: Likely benign for MAGI2-related condition. Last evaluated: 2019-12-20. Review status: no assertion criteria provided. Collection method: clinical testing. Allele origin: germline.
Comment: This variant is classified as likely benign based on ACMG/AMP sequence variant interpretation guidelines (Richards et al. 2015 PMID: 25741868, with internal and published modifications).